The following is an entry in ClinVar:

NM_000142.5(FGFR3):c.719C>T (p.Thr240Met)

Gene: FGFR3 (fibroblast growth factor receptor 3; plus strand). Cytogenetic location: 4p16.3.
Variant type: single nucleotide variant.
Coding change: c.719C>T on transcript NM_000142.5 (MANE Select); coding-DNA position 719, C replaced by T.
Protein change: p.Thr240Met; replaces threonine 240 with methionine.
Molecular consequence: missense variant. On other transcripts: non-coding transcript variant (1).
Genome position (GRCh38, 1-based): chr4:1,801,723, C>T. VCF-style: chr4-1801723-C-T. GRCh37 (hg19) VCF-style: chr4-1803450-C-T.
Other names: c.719C>T, p.Thr240Met (NM_001163213.2, NM_001354809.2, NM_001354810.2 and 1 more transcripts); short protein forms T240M.
Identifiers: ClinVar variation 2156505 (VCV002156505.4), dbSNP rs759641808, ClinGen allele CA2809929.
Genomic context (GRCh38, chr4:1,801,723, plus strand): 5'-CCTCGGACCGCGGCAACTACACCTGCGTCGTGGAGAACAAGTTTGGCAGCATCCGGCAGA[C>T]GTACACGCTGGACGTGCTGGGTGAGGGCCCTGGGGCGGCGCGGGGGTGGGGGCGGCAGTG-3'
Protein context (NP_000133.1, residues 230-250): VENKFGSIRQ[Thr240Met]YTLDVLERSP

ClinVar aggregate classification (germline): Uncertain significance (1 of 4 stars; one submission).

Allele frequency attached by ClinVar (database versions not stated): gnomAD exomes below 0.00001; ExAC 0.00001; gnomAD 0.00001; TOPMed 0.00002.

Submission:

Labcorp Genetics (formerly Invitae), Labcorp
Classification: Uncertain significance. Last evaluated: 2022-10-06. Review status: criteria provided, single submitter. Criteria: Invitae Variant Classification Sherloc (09022015). Collection method: clinical testing. Allele origin: germline.
Comment: This variant has not been reported in the literature in individuals affected with FGFR3-related conditions. In summary, the available evidence is currently insufficient to determine the role of this variant in disease. Therefore, it has been classified as a Variant of Uncertain Significance. Advanced modeling of protein sequence and biophysical properties (such as structural, functional, and spatial information, amino acid conservation, physicochemical variation, residue mobility, and thermodynamic stability) has been performed at Invitae for this missense variant, however the output from this modeling did not meet the statistical confidence thresholds required to predict the impact of this variant on FGFR3 protein function. The frequency data for this variant in the population databases is considered unreliable, as metrics indicate poor data quality at this position in the gnomAD database. This sequence change replaces threonine, which is neutral and polar, with methionine, which is neutral and non-polar, at codon 240 of the FGFR3 protein (p.Thr240Met).